The following is an entry in ClinVar:

NM_177986.5(DSG4):c.258G>A (p.Arg86=)

Genes: DSG1-AS1 (DSG1 antisense RNA 1; minus strand), DSG4 (desmoglein 4; plus strand). Cytogenetic location: 18q12.1.
Variant type: single nucleotide variant.
Coding change: c.258G>A on transcript NM_177986.5 (MANE Select); coding-DNA position 258, G replaced by A.
Protein change: p.Arg86=; no amino-acid change (arginine 86 retained).
Molecular consequence: synonymous variant.
Genome position (GRCh38, 1-based): chr18:31,388,408, G>A. VCF-style: chr18-31388408-G-A. GRCh37 (hg19) VCF-style: chr18-28968371-G-A.
Other names: c.258G>A, p.Arg86= (NM_001134453.3).
Identifiers: ClinVar variation 326418 (VCV000326418.14), dbSNP rs16959856, ClinGen allele CA8926669.
Genomic context (GRCh38, chr18:31,388,408, plus strand): 5'-CTAGCTATTTTTCTTATAGATTCGATCAGACTGCGAATCGAACCAGAAGATAACATACCG[G>A]ATTTCTGGAGTAGGGATTGATCGACCACCATATGGGGTATTCACCATTAATCCTCGCACT-3'
Protein context (NP_817123.1, residues 76-96): DCESNQKITY[Arg86=]ISGVGIDRPP

ClinVar aggregate classification (germline): Benign. Review status: criteria provided, multiple submitters, no conflicts (2 of 4 stars). 4 submissions from 4 submitters: Benign (4). Last evaluated 2026-02-04.

Conditions:
Hypotrichosis 6 (HYPT6). Also called: HYPOTRICHOSIS, LOCALIZED, AUTOSOMAL RECESSIVE 1; MONILETHRIX-LIKE HYPOTRICHOSIS. Identifiers: Orphanet 55654, MedGen C1842839, MONDO:0011932, OMIM 607903.

Allele frequency attached by ClinVar (database versions not stated): ESP Exome Variant Server 0.69432; gnomAD 0.70447 and 0.70838; TOPMed 0.71464; 1000 Genomes Project 0.72065; 1000 Genomes Project 30x 0.72142; ExAC 0.74526; gnomAD exomes 0.75563.
gnomAD v4.1: 1,202,237 of 1,613,082 alleles (75%); highest among the groups gnomAD compares: East Asian, 92%; 451,524 homozygotes.

Submissions (4):

Labcorp Genetics (formerly Invitae), Labcorp
Classification: Benign. Last evaluated: 2026-02-04. Review status: criteria provided, single submitter. Criteria: Invitae Variant Classification Sherloc (09022015). Collection method: clinical testing. Allele origin: germline.

GeneDx
Classification: Benign. Last evaluated: 2018-11-10. Review status: criteria provided, single submitter. Criteria: GeneDx Variant Classification Process June 2021. Collection method: clinical testing. Allele origin: germline. Affected: yes.

Illumina Laboratory Services, Illumina
Classification: Benign for Hypotrichosis 6. Last evaluated: 2018-01-13. Review status: criteria provided, single submitter. Criteria: ICSL Variant Classification Criteria 13 December 2019. Collection method: clinical testing. Allele origin: germline.
Comment: This variant was observed in the ICSL laboratory as part of a predisposition screen in an ostensibly healthy population. It had not been previously curated by ICSL or reported in the Human Gene Mutation Database (HGMD: prior to June 1st, 2018), and was therefore a candidate for classification through an automated scoring system. Utilizing variant allele frequency, disease prevalence and penetrance estimates, and inheritance mode, an automated score was calculated to assess if this variant is too frequent to cause the disease. Based on the score and internal cut-off values, a variant classified as benign is not then subjected to further curation. The score for this variant resulted in a classification of benign for this disease.

Breakthrough Genomics
Classification: Benign. Review status: criteria provided, single submitter. Criteria: ACMG Guidelines, 2015. Collection method: not provided. Allele origin: germline. Inheritance: Autosomal recessive inheritance. Affected: yes.